The following is an entry in ClinVar:

NM_206933.4(USH2A):c.3581C>T (p.Pro1194Leu)

Genes: USH2A (usherin; minus strand), USH2A-AS1 (USH2A antisense RNA 1; plus strand). Cytogenetic location: 1q41.
Variant type: single nucleotide variant.
Coding change: c.3581C>T on transcript NM_206933.4 (MANE Select); coding-DNA position 3581, C replaced by T.
Protein change: p.Pro1194Leu; replaces proline 1194 with leucine.
Molecular consequence: missense variant.
Genome position (GRCh38, 1-based): chr1:216,199,857, G>A on the plus strand (C>T on the coding strand, the complement: USH2A is on the minus strand). VCF-style: chr1-216199857-G-A. GRCh37 (hg19) VCF-style: chr1-216373199-G-A.
Other names: c.3581C>T, p.Pro1194Leu (NM_007123.6); short protein forms P1194L.
Identifiers: ClinVar variation 546238 (VCV000546238.25), dbSNP rs145114751, ClinGen allele CA1395962.

ClinVar aggregate classification (germline): Conflicting classifications of pathogenicity. Review status: criteria provided, conflicting classifications (1 of 4 stars). 5 submissions from 5 submitters: Uncertain significance (3); Likely benign (2). Last evaluated 2026-01-01.

Conditions:
Inborn genetic diseases. Identifiers: MedGen C0950123, MeSH D030342.
USH2A-related disorder. Also called: USH2A-related disorders; USH2A-related condition. Identifiers: MedGen CN239332.

Allele frequency attached by ClinVar (database versions not stated): gnomAD exomes 0.00004 and 0.00018; 1000 Genomes Project 30x 0.00016; 1000 Genomes Project 0.00020; ExAC 0.00020; ESP Exome Variant Server 0.00038; gnomAD 0.00048 and 0.00052; TOPMed 0.00060.
gnomAD v4.1: 138 of 1,614,114 alleles (0.0085%); highest among the groups gnomAD compares: African/African-American, 0.15%; no homozygotes.

Submissions (5):

Labcorp Genetics (formerly Invitae), Labcorp
Classification: Likely benign. Last evaluated: 2026-01-01. Review status: criteria provided, single submitter. Criteria: Invitae Variant Classification Sherloc (09022015). Collection method: clinical testing. Allele origin: germline.

GeneDx
Classification: Uncertain significance. Last evaluated: 2025-09-23. Review status: criteria provided, single submitter. Criteria: GeneDx Variant Classification Process June 2021. Collection method: clinical testing. Allele origin: germline. Affected: yes.
Comment: In silico analysis supports that this missense variant has a deleterious effect on protein structure/function; Has not been previously published as pathogenic or benign to our knowledge

PreventionGenetics, part of Exact Sciences
Classification: Likely benign for USH2A-related condition. Last evaluated: 2025-04-22. Review status: criteria provided, single submitter. Criteria: ACMG Guidelines, 2015. Collection method: clinical testing. Allele origin: germline.
Comment: This variant is classified as likely benign based on ACMG/AMP sequence variant interpretation guidelines (Richards et al. 2015 PMID: 25741868, with internal and published modifications).

Ambry Genetics
Classification: Uncertain significance for Inborn genetic diseases. Last evaluated: 2024-02-21. Review status: criteria provided, single submitter. Criteria: Ambry Variant Classification Scheme 2023. Collection method: clinical testing. Allele origin: germline.

Blueprint Genetics
Classification: Uncertain significance. Last evaluated: 2023-12-29. Review status: criteria provided, single submitter. Criteria: ACMG Guidelines, 2015. Collection method: clinical testing. Allele origin: germline.